The following is an entry in ClinVar:

NM_001205293.3(CACNA1E):c.6067A>G (p.Thr2023Ala)

Gene: CACNA1E (calcium voltage-gated channel subunit alpha1 E; plus strand). Cytogenetic location: 1q25.3.
Variant type: single nucleotide variant.
Coding change: c.6067A>G on transcript NM_001205293.3 (MANE Select); coding-DNA position 6067, A replaced by G.
Protein change: p.Thr2023Ala; replaces threonine 2023 with alanine.
Molecular consequence: missense variant.
Genome position (GRCh38, 1-based): chr1:181,794,903, A>G. VCF-style: chr1-181794903-A-G. GRCh37 (hg19) VCF-style: chr1-181764039-A-G.
Other names: c.5938A>G, p.Thr1980Ala (NM_000721.4); c.5881A>G, p.Thr1961Ala (NM_001205294.2); short protein forms T1961A, T1980A, T2023A.
Identifiers: ClinVar variation 4975678 (VCV004975678.1).

ClinVar aggregate classification (germline): Uncertain significance (1 of 4 stars; one submission).

Submission:

GeneDx
Classification: Uncertain significance. Last evaluated: 2026-01-26. Review status: criteria provided, single submitter. Criteria: GeneDx Variant Classification Process June 2021. Collection method: clinical testing. Allele origin: germline.
Comment: Not observed at significant frequency in large population cohorts (gnomAD); In silico analysis supports that this missense variant has a deleterious effect on protein structure/function; Has not been previously published as pathogenic or benign to our knowledge